The following is an entry in ClinVar:

NM_000206.3(IL2RG):c.359_360insT (p.Lys120fs)

Gene: IL2RG (interleukin 2 receptor subunit gamma; minus strand). Cytogenetic location: Xq13.1.
Variant type: Insertion.
Coding change: c.359_360insT on transcript NM_000206.3 (MANE Select); coding-DNA positions 359 to 360, T inserted.
Protein change: p.Lys120fs; shifts the reading frame from lysine 120.
Molecular consequence: frameshift variant.
Genome position: GRCh38 VCF-style: chrX-71110598-C-CA. GRCh37 (hg19) VCF-style: chrX-70330448-C-CA.
Other names: short protein forms K120fs.
Identifiers: ClinVar variation 981080 (VCV000981080.3), dbSNP rs2092261347, ClinGen allele CA1139667633.

ClinVar aggregate classification (germline): Pathogenic/Likely pathogenic. Review status: criteria provided, multiple submitters, no conflicts (2 of 4 stars). 2 submissions from 2 submitters: Pathogenic (1); Likely pathogenic (1). Last evaluated 2022-08-04.

Conditions:
X-linked severe combined immunodeficiency (SCIDX1). Also called: X-Linked Combined Immunodeficiency Diseases; IMMUNODEFICIENCY 4; SCID, X-LINKED; SEVERE COMBINED IMMUNODEFICIENCY, X-LINKED, T CELL-NEGATIVE, B CELL-POSITIVE, NK CELL-NEGATIVE; T-B+ severe combined immunodeficiency due to gamma chain deficiency. Identifiers: Orphanet 276, MedGen C6022468, MONDO:0010315, OMIM 300400. Disease mechanism: loss of function.

Submissions (2):

GeneDx
Classification: Pathogenic. Last evaluated: 2022-08-04. Review status: criteria provided, single submitter. Criteria: GeneDx Variant Classification Process June 2021. Collection method: clinical testing. Allele origin: germline. Affected: yes.
Comment: Frameshift variant predicted to result in protein truncation or nonsense mediated decay in a gene for which loss-of-function is a known mechanism of disease; Not observed at significant frequency in large population cohorts (gnomAD); This variant is associated with the following publications: (PMID: 10794430)

Women's Health and Genetics/Laboratory Corporation of America, LabCorp
Classification: Likely pathogenic for X-linked severe combined immunodeficiency. Last evaluated: 2020-09-14. Review status: criteria provided, single submitter. Criteria: LabCorp Variant Classification Summary - May 2015. Collection method: clinical testing. Allele origin: germline.
Comment: Variant summary: IL2RG c.359_360insT (p.Lys120AsnfsX48; legacy name: c.373_374insT p.Lys98AsnfsX48) results in a premature termination codon, predicted to cause a truncation of the encoded protein or absence of the protein due to nonsense mediated decay, which are commonly known mechanisms for disease. The variant was absent in 183442 control chromosomes (gnomAD). c.359_360insT has been reported in the literature in individuals affected with X-Linked Severe Combined Immunodeficiency (Niemela_2000). These data indicate that the variant may be associated with disease. To our knowledge, no experimental evidence demonstrating an impact on protein function has been reported. No clinical diagnostic laboratories have submitted clinical-significance assessments for this variant to ClinVar after 2014. Based on the evidence outlined above, the variant was classified as likely pathogenic.

Literature cited by the submitters: PubMed 10794430 (cited by Women's Health and Genetics/Laboratory Corporation of America, LabCorp); PubMed 18641513 (cited by Women's Health and Genetics/Laboratory Corporation of America, LabCorp); PubMed 14722921 (cited by Women's Health and Genetics/Laboratory Corporation of America, LabCorp).